The following is an entry in ClinVar:

ClinVar aggregate classification (germline): Uncertain significance (1 of 4 stars; one submission).

Conditions:
Wilson disease (WND). Also called: Wilson's disease. Identifiers: Orphanet 905, MedGen C0019202, MONDO:0010200, OMIM 277900. Disease mechanism: loss of function.

Submission:

All of Us Research Program, National Institutes of Health
Classification: Uncertain significance for Wilson disease. Last evaluated: 2024-06-09. Review status: criteria provided, single submitter. Criteria: ACMG Guidelines, 2015. Collection method: clinical testing. Allele origin: germline. Inheritance: Autosomal recessive inheritance. Observed: 1 variant allele, 1 heterozygote.
Comment: This missense variant replaces cysteine with tyrosine at codon 370 of the ATP7B protein. Computational prediction suggests that this variant may have deleterious impact on protein structure and function. To our knowledge, functional studies have not been reported for this variant. This variant has not been reported in individuals affected with ATP7B-related disorders in the literature. This variant has not been identified in the general population by the Genome Aggregation Database (gnomAD). The available evidence is insufficient to determine the role of this variant in disease conclusively. Therefore, this variant is classified as a Variant of Uncertain Significance.

This study involves interpretation of variants in research participants for the purpose of population health screening. Participant phenotype was not available at the time of variant classification. Additional details can be found in publication PMID: 35346344, PMCID: PMC8962531

NM_000053.4(ATP7B):c.1109G>A (p.Cys370Tyr)

Gene: ATP7B (ATPase copper transporting beta; minus strand). Cytogenetic location: 13q14.3.
Variant type: single nucleotide variant.
Coding change: c.1109G>A on transcript NM_000053.4 (MANE Select); coding-DNA position 1109, G replaced by A.
Protein change: p.Cys370Tyr; replaces cysteine 370 with tyrosine.
Molecular consequence: missense variant. On other transcripts: intron variant (2).
Genome position (GRCh38, 1-based): chr13:51,974,111, C>T on the plus strand (G>A on the coding strand, the complement: ATP7B is on the minus strand). VCF-style: chr13-51974111-C-T. GRCh37 (hg19) VCF-style: chr13-52548247-C-T.
Other names: c.1109G>A, p.Cys370Tyr (NM_001005918.3, NM_001330578.2, NM_001330579.2 and 29 more transcripts); c.1013G>A, p.Cys338Tyr (NM_001406530.1, NM_001406536.1, NM_001406517.1 and 3 more transcripts); c.803-27G>A (NM_001243182.2); c.707-27G>A (NM_001406539.1); short protein forms C338Y, C370Y.
Identifiers: ClinVar variation 3385724 (VCV003385724.1).